The following is an entry in ClinVar:

NM_001297595.2(SIN3B):c.3178C>A (p.Leu1060Met)

Gene: SIN3B (SIN3 transcription regulator family member B; plus strand). Cytogenetic location: 19p13.11.
Variant type: single nucleotide variant.
Coding change: c.3178C>A on transcript NM_001297595.2 (MANE Select); coding-DNA position 3178, C replaced by A.
Protein change: p.Leu1060Met; replaces leucine 1060 with methionine.
Molecular consequence: missense variant.
Genome position (GRCh38, 1-based): chr19:16,878,512, C>A. VCF-style: chr19-16878512-C-A. GRCh37 (hg19) VCF-style: chr19-16989323-C-A.
Other names: c.1948C>A, p.Leu650Met (NM_001297597.2); c.3274C>A, p.Leu1092Met (NM_015260.4); short protein forms L1060M, L1092M, L650M.
Identifiers: ClinVar variation 2504758 (VCV002504758.1), dbSNP rs989844213, ClinGen allele CA404647639.

ClinVar aggregate classification (germline): Uncertain significance (1 of 4 stars; one submission).

Submission:

GeneDx
Classification: Uncertain significance. Last evaluated: 2022-12-12. Review status: criteria provided, single submitter. Criteria: GeneDx Variant Classification Process June 2021. Collection method: clinical testing. Allele origin: germline. Affected: yes.
Comment: Not observed at significant frequency in large population cohorts (gnomAD); In silico analysis supports that this missense variant does not alter protein structure/function; Has not been previously published as pathogenic or benign to our knowledge